The following is an entry in ClinVar:

ClinVar aggregate classification (germline): Uncertain significance. Review status: criteria provided, multiple submitters, no conflicts (2 of 4 stars). 2 submissions from 2 submitters: Uncertain significance (2). Last evaluated 2026-04-14.

Conditions:
Familial intrahepatic cholestasis. Identifiers: Orphanet 284385, MedGen CN296401, MONDO:0017290.
Progressive familial intrahepatic cholestasis type 2. Identifiers: Orphanet 79304, MedGen C3489789, MONDO:0011156, OMIM 601847.

gnomAD v4.1: 3 of 1,610,618 alleles (0.00019%); highest among the groups gnomAD compares: African/African-American, 0.0013%; no homozygotes.

Submissions (2):

Genomenon, Inc
Classification: Uncertain significance for Familial intrahepatic cholestasis. Last evaluated: 2026-04-14. Review status: criteria provided, single submitter. Criteria: Genomenon Sequence Variant Interpretation Standards - Updated. Collection method: curation. Allele origin: germline. Affected: yes.
Comment: ABCB11 p.Thr242Ile (c.725C>T) is a missense variant that changes the amino acid at residue 242 from Threonine to Isoleucine. This variant has been observed in at least one proband with an ABCB11-related disorder (PMID:18395098). At least one splicing study demonstrated no effect on splicing (PMID:19101985). It is absent or not present at a significant frequency in gnomAD. In silico models predict that this variant is possibly or probably damaging. In conclusion, we classify ABCB11 p.Thr242Ile (c.725C>T) as a variant of uncertain significance.

Broad Center for Mendelian Genomics, Broad Institute of MIT and Harvard
Classification: Uncertain significance for Progressive familial intrahepatic cholestasis type 2. Last evaluated: 2025-01-30. Review status: criteria provided, single submitter. Criteria: ACMG Guidelines, 2015. Collection method: curation. Allele origin: germline. Inheritance: Autosomal recessive inheritance.
Comment: The p.Thr242Ile variant in ABCB11 has been reported, in the compound heterozygous state, in one individual with BSEP deficiency (PMID: 18395098), and has been identified in 0.001% (1/74796) of African/African American chromosomes by the Genome Aggregation Database (gnomAD; dbSNP rs1436964715). Although this variant has been seen in the general population in a heterozygous state, its frequency is low enough to be consistent with a recessive carrier frequency. Computational prediction tools and conservation analyses suggest that this variant may impact the protein, though this information is not predictive enough to determine pathogenicity. In summary, the clinical significance of the p.Thr242Ile variant is uncertain. ACMG/AMP Criteria applied: PP3_moderate, PM2_supporting, PM3_supporting, PP3_moderate (Richards 2015).

Literature cited by the submitters: PubMed 18395098 (cited by Genomenon, Inc); PubMed 19101985 (cited by Genomenon, Inc).

NM_003742.4(ABCB11):c.725C>T (p.Thr242Ile)

Gene: ABCB11 (ATP binding cassette subfamily B member 11; minus strand). Cytogenetic location: 2q31.1.
Variant type: single nucleotide variant.
Coding change: c.725C>T on transcript NM_003742.4 (MANE Select); coding-DNA position 725, C replaced by T.
Protein change: p.Thr242Ile; replaces threonine 242 with isoleucine.
Molecular consequence: missense variant.
Genome position (GRCh38, 1-based): chr2:168,993,769, G>A on the plus strand (C>T on the coding strand, the complement: ABCB11 is on the minus strand). VCF-style: chr2-168993769-G-A. GRCh37 (hg19) VCF-style: chr2-169850279-G-A.
Other names: NM_003742.4:c.725C>T; short protein forms T242I.
Identifiers: ClinVar variation 3776878 (VCV003776878.2).